The following is an entry in ClinVar:

ClinVar aggregate classification (germline): Pathogenic/Likely pathogenic. Review status: criteria provided, multiple submitters, no conflicts (2 of 4 stars). 3 submissions from 3 submitters: Pathogenic (1); Likely pathogenic (1). 1 of the submissions does not count toward it. Last evaluated 2025-02-18.

Conditions:
Smith-Lemli-Opitz syndrome (SLOS). Also called: 7-Dehydrocholesterol reductase deficiency; POLYDACTYLY, SEX REVERSAL, RENAL HYPOPLASIA, AND UNILOBAR LUNG; RSH SYNDROME; RUTLEDGE LETHAL MULTIPLE CONGENITAL ANOMALY SYNDROME; LETHAL ACRODYSGENITAL SYNDROME. Identifiers: Orphanet 818, MedGen C0175694, MONDO:0010035, OMIM 270400.

Submissions (3):

Natera, Inc.
Classification: Likely pathogenic for Smith-Lemli-Opitz syndrome. Last evaluated: 2025-02-18. Review status: criteria provided, single submitter. Criteria: Natera Variant Classification Schema (03/2026). Collection method: clinical testing. Allele origin: germline.
Comment: The c.991C>T variant in DHCR7 is a nonsense variant predicted to introduce a stop codon at amino acid 331. This variant is expected to result in nonsense mediated decay, truncation, or a dysfunctional protein product. This variant is rare in the general population with a frequency below the threshold expected for the associated phenotype(s). Given the available evidence, this variant is classified as Likely Pathogenic.

Labcorp Genetics (formerly Invitae), Labcorp
Classification: Pathogenic for Smith-Lemli-Opitz syndrome. Last evaluated: 2023-05-24. Review status: criteria provided, single submitter. Criteria: Invitae Variant Classification Sherloc (09022015). Collection method: clinical testing. Allele origin: germline.
Comment: For these reasons, this variant has been classified as Pathogenic. This variant disrupts a region of the DHCR7 protein in which other variant(s) (p.Phe475Ser) have been determined to be pathogenic (PMID: 15776424). This suggests that this is a clinically significant region of the protein, and that variants that disrupt it are likely to be disease-causing. ClinVar contains an entry for this variant (Variation ID: 370588). This variant has not been reported in the literature in individuals affected with DHCR7-related conditions. This variant is not present in population databases (gnomAD no frequency). This sequence change creates a premature translational stop signal (p.Gln331*) in the DHCR7 gene. While this is not anticipated to result in nonsense mediated decay, it is expected to disrupt the last 145 amino acid(s) of the DHCR7 protein.

Counsyl
Classification: Likely pathogenic for Smith-Lemli-Opitz syndrome. Last evaluated: 2016-03-09. Review status: no assertion criteria provided. Collection method: clinical testing. Allele origin: unknown. Not counted in ClinVar's aggregate classification.

Literature cited by the submitters: PubMed 15776424 (cited by Labcorp Genetics (formerly Invitae), Labcorp).

NM_001360.3(DHCR7):c.991C>T (p.Gln331Ter)

Gene: DHCR7 (7-dehydrocholesterol reductase; minus strand). Cytogenetic location: 11q13.4.
Variant type: single nucleotide variant.
Coding change: c.991C>T on transcript NM_001360.3 (MANE Select); coding-DNA position 991, C replaced by T.
Protein change: p.Gln331Ter; replaces glutamine 331 with a stop codon.
Molecular consequence: nonsense.
Genome position (GRCh38, 1-based): chr11:71,435,812, G>A on the plus strand (C>T on the coding strand, the complement: DHCR7 is on the minus strand). VCF-style: chr11-71435812-G-A. GRCh37 (hg19) VCF-style: chr11-71146858-G-A.
Other names: c.991C>T, p.Gln331Ter (NM_001163817.2); short protein forms Q331*.
Identifiers: ClinVar variation 370588 (VCV000370588.7), dbSNP rs1057516610, ClinGen allele CA16041548.